The following is an entry in ClinVar:

NM_004491.5(ARHGAP35):c.883_890delinsATCAACC (p.Val295fs)

Gene: ARHGAP35 (Rho GTPase activating protein 35; plus strand). Cytogenetic location: 19q13.32.
Variant type: Indel.
Coding change: c.883_890delinsATCAACC on transcript NM_004491.5 (MANE Select); coding-DNA positions 883 to 890, GTCAGCCG replaced by ATCAACC.
Protein change: p.Val295fs; shifts the reading frame from valine 295.
Molecular consequence: frameshift variant.
Genome position (GRCh38, 1-based): chr19:46,919,558-46,919,565, GTCAGCCG replaced by ATCAACC. VCF-style: chr19-46919558-GTCAGCCG-ATCAACC. GRCh37 (hg19) VCF-style: chr19-47422815-GTCAGCCG-ATCAACC.
Other names: short protein forms V295fs.
Identifiers: ClinVar variation 4642410 (VCV004642410.1).
Genomic context (GRCh38, chr19:46,919,558, plus strand): 5'-GACAAGTATGAGTGGCTGGTGAGTCGCATTGTGAAAAACCACAATGAGAACTGGCTGAGT[GTCAGCCG>ATCAACC]AAAGATGCAGGCCTCTCCAGAATACCAGGACTATGTCTACCTGGAAGGGACTCAGAAAGC-3'

ClinVar aggregate classification (germline): Pathogenic (1 of 4 stars; one submission).

Submission:

Ambry Genetics
Classification: Pathogenic. Last evaluated: 2025-11-10. Review status: criteria provided, single submitter. Criteria: Ambry Variant Classification Scheme 2023. Collection method: clinical testing. Allele origin: germline.
Comment: The c.883_890delGTCAGCCGinsATCAACC (p.V295Ifs*52) alteration, located in coding exon 1 of the ARHGAP35 gene, consists of a deletion of 8 and insertion of 7 nucleotides causing a translational frameshift with a predicted alternate stop codon after 52 amino acids. This alteration is expected to result in loss of function by premature protein truncation or nonsense-mediated mRNA decay. This variant was not reported in population-based cohorts in the Genome Aggregation Database (gnomAD). Based on the available evidence, this alteration is classified as pathogenic.